The following is an entry in ClinVar:

ClinVar aggregate classification (germline): Uncertain significance (1 of 4 stars; one submission).

Conditions:
Arrhythmogenic cardiomyopathy with wooly hair and keratoderma. Also called: Carvajal syndrome; PALMOPLANTAR KERATODERMA WITH LEFT VENTRICULAR CARDIOMYOPATHY AND WOOLLY HAIR; Dilated cardiomyopathy with woolly hair and keratoderma; Arrhythmogenic cardiomyopathy with woolly hair and keratoderma. Identifiers: Orphanet 65282, MedGen C1854063, MONDO:0011581, OMIM 605676.

Submission:

All of Us Research Program, National Institutes of Health
Classification: Uncertain significance for Arrhythmogenic cardiomyopathy with wooly hair and keratoderma. Last evaluated: 2024-04-16. Review status: criteria provided, single submitter. Criteria: ACMG Guidelines, 2015. Collection method: clinical testing. Allele origin: germline. Inheritance: Autosomal dominant inheritance. Observed: 1 variant allele, 1 heterozygote.
Comment: This variant causes a T to C nucleotide substitution at the +4 position of intron 23 of the DSP gene. To our knowledge, functional studies have not been reported for this variant. This variant has not been reported in individuals affected with DSP-related disorders in the literature. This variant has not been identified in the general population by the Genome Aggregation Database (gnomAD). The available evidence is insufficient to determine the role of this variant in disease conclusively. Therefore, this variant is classified as a Variant of Uncertain Significance.

This study involves interpretation of variants in research participants for the purpose of population health screening. Participant phenotype was not available at the time of variant classification. Additional details can be found in publication PMID: 35346344, PMCID: PMC8962531

NM_004415.4(DSP):c.5379+4T>C

Gene: DSP (desmoplakin; plus strand). Cytogenetic location: 6p24.3.
Variant type: single nucleotide variant.
Coding change: c.5379+4T>C on transcript NM_004415.4 (MANE Select); 4 bases into the intron after coding-DNA position 5379, T replaced by C.
Molecular consequence: intron variant.
Genome position (GRCh38, 1-based): chr6:7,581,573, T>C. VCF-style: chr6-7581573-T-C. GRCh37 (hg19) VCF-style: chr6-7581806-T-C.
Other names: c.4051-1069T>C (NM_001319034.2); c.3583-1069T>C (NM_001008844.3).
Identifiers: ClinVar variation 3386689 (VCV003386689.1).